The following is an entry in ClinVar:

ClinVar aggregate classification (germline): Uncertain significance (1 of 4 stars; one submission).

Conditions:
Cholestanol storage disease (CTX). Also called: CEREBRAL CHOLESTERINOSIS; Cerebrotendinous Xanthomatosis; CTX: Cerebrotendinous xanthomatosis. Identifiers: Orphanet 909, MedGen C0238052, MONDO:0008948, OMIM 213700.

Submission:

Labcorp Genetics (formerly Invitae), Labcorp
Classification: Uncertain significance for Cholestanol storage disease. Last evaluated: 2022-06-28. Review status: criteria provided, single submitter. Criteria: Invitae Variant Classification Sherloc (09022015). Collection method: clinical testing. Allele origin: germline.
Comment: This sequence change replaces histidine, which is basic and polar, with proline, which is neutral and non-polar, at codon 152 of the CYP27A1 protein (p.His152Pro). This variant is not present in population databases (gnomAD no frequency). This variant has not been reported in the literature in individuals affected with CYP27A1-related conditions. Advanced modeling of protein sequence and biophysical properties (such as structural, functional, and spatial information, amino acid conservation, physicochemical variation, residue mobility, and thermodynamic stability) performed at Invitae indicates that this missense variant is not expected to disrupt CYP27A1 protein function. In summary, the available evidence is currently insufficient to determine the role of this variant in disease. Therefore, it has been classified as a Variant of Uncertain Significance.

NM_000784.4(CYP27A1):c.455A>C (p.His152Pro)

Gene: CYP27A1 (cytochrome P450 family 27 subfamily A member 1; plus strand). Cytogenetic location: 2q35.
Variant type: single nucleotide variant.
Coding change: c.455A>C on transcript NM_000784.4 (MANE Select); coding-DNA position 455, A replaced by C.
Protein change: p.His152Pro; replaces histidine 152 with proline.
Molecular consequence: missense variant.
Genome position (GRCh38, 1-based): chr2:218,812,230, A>C. VCF-style: chr2-218812230-A-C. GRCh37 (hg19) VCF-style: chr2-219676953-A-C.
Other names: short protein forms H152P.
Identifiers: ClinVar variation 1447437 (VCV001447437.6), dbSNP rs768932304, ClinGen allele CA350584776.